The following is an entry in ClinVar:

NM_145725.3(TRAF3):c.35C>T (p.Ala12Val)

Gene: TRAF3 (TNF receptor associated factor 3; plus strand). Cytogenetic location: 14q32.32.
Variant type: single nucleotide variant.
Coding change: c.35C>T on transcript NM_145725.3 (MANE Select); coding-DNA position 35, C replaced by T.
Protein change: p.Ala12Val; replaces alanine 12 with valine.
Molecular consequence: missense variant.
Genome position (GRCh38, 1-based): chr14:102,870,236, C>T. VCF-style: chr14-102870236-C-T. GRCh37 (hg19) VCF-style: chr14-103336573-C-T.
Other names: c.35C>T, p.Ala12Val (NM_001199427.2, NM_001385142.1, NM_001385143.1 and 2 more transcripts); short protein forms A12V.
Identifiers: ClinVar variation 1007820 (VCV001007820.9), dbSNP rs746483559, ClinGen allele CA7359141.
Genomic context (GRCh38, chr14:102,870,236, plus strand): 5'-TCCCGACAGAACTCCTCTTTCCTAAAATGGAGTCGAGTAAAAAGATGGACTCTCCTGGCG[C>T]GCTGCAGACTAACCCGCCGCTAAAGCTGCACACTGACCGCAGTGCTGGGACGCCAGTTTT-3'
Protein context (NP_663777.1, residues 2-22): ESSKKMDSPG[Ala12Val]LQTNPPLKLH

ClinVar aggregate classification (germline): Uncertain significance (1 of 4 stars; one submission).

Conditions:
Immunodeficiency 132A. Also called: Herpes simplex encephalitis, susceptibility to, 3. Identifiers: Orphanet 1930, MedGen C3553868, MONDO:0013920, OMIM 614849.

Allele frequency attached by ClinVar (database versions not stated): gnomAD 0.00001 and 0.00002; TOPMed 0.00002; gnomAD exomes 0.00007 and 0.00003; ExAC 0.00009.
gnomAD v4.1: 45 of 1,613,960 alleles (0.0028%); highest among the groups gnomAD compares: South Asian, 0.032%; no homozygotes.

Submission:

Labcorp Genetics (formerly Invitae), Labcorp
Classification: Uncertain significance for Immunodeficiency 132A. Last evaluated: 2025-03-05. Review status: criteria provided, single submitter. Criteria: Invitae Variant Classification Sherloc (09022015). Collection method: clinical testing. Allele origin: germline.
Comment: This sequence change replaces alanine, which is neutral and non-polar, with valine, which is neutral and non-polar, at codon 12 of the TRAF3 protein (p.Ala12Val). This variant is present in population databases (rs746483559, gnomAD 0.04%). This variant has not been reported in the literature in individuals affected with TRAF3-related conditions. ClinVar contains an entry for this variant (Variation ID: 1007820). An algorithm developed to predict the effect of missense changes on protein structure and function (PolyPhen-2) suggests that this variant is likely to be tolerated. In summary, the available evidence is currently insufficient to determine the role of this variant in disease. Therefore, it has been classified as a Variant of Uncertain Significance.